The following is an entry in ClinVar:

NM_014003.4(DHX38):c.1738A>G (p.Ile580Val)

Gene: DHX38 (DEAH-box helicase 38; plus strand). Cytogenetic location: 16q22.2.
Variant type: single nucleotide variant.
Coding change: c.1738A>G on transcript NM_014003.4 (MANE Select); coding-DNA position 1738, A replaced by G.
Protein change: p.Ile580Val; replaces isoleucine 580 with valine.
Molecular consequence: missense variant.
Genome position (GRCh38, 1-based): chr16:72,103,702, A>G. VCF-style: chr16-72103702-A-G. GRCh37 (hg19) VCF-style: chr16-72137601-A-G.
Other names: short protein forms I580V.
Identifiers: ClinVar variation 1425917 (VCV001425917.6), dbSNP rs2144154267, ClinGen allele CA396708155.

ClinVar aggregate classification (germline): Uncertain significance (1 of 4 stars; one submission).

Allele frequency attached by ClinVar (database versions not stated): gnomAD exomes below 0.00001.
gnomAD v4.1: 1 of 1,614,162 alleles (0.000062%); highest among the groups gnomAD compares: Non-Finnish European, 0.000085%; no homozygotes.

Submission:

Labcorp Genetics (formerly Invitae), Labcorp
Classification: Uncertain significance. Last evaluated: 2024-02-24. Review status: criteria provided, single submitter. Criteria: Invitae Variant Classification Sherloc (09022015). Collection method: clinical testing. Allele origin: germline.
Comment: This sequence change replaces isoleucine, which is neutral and non-polar, with valine, which is neutral and non-polar, at codon 580 of the DHX38 protein (p.Ile580Val). This variant is not present in population databases (gnomAD no frequency). This variant has not been reported in the literature in individuals affected with DHX38-related conditions. ClinVar contains an entry for this variant (Variation ID: 1425917). Advanced modeling of protein sequence and biophysical properties (such as structural, functional, and spatial information, amino acid conservation, physicochemical variation, residue mobility, and thermodynamic stability) performed at Invitae indicates that this missense variant is not expected to disrupt DHX38 protein function with a negative predictive value of 80%. In summary, the available evidence is currently insufficient to determine the role of this variant in disease. Therefore, it has been classified as a Variant of Uncertain Significance.